The following is an entry in ClinVar:

NM_004415.4(DSP):c.5361C>T (p.Phe1787=)

Gene: DSP (desmoplakin; plus strand). Cytogenetic location: 6p24.3.
Variant type: single nucleotide variant.
Coding change: c.5361C>T on transcript NM_004415.4 (MANE Select); coding-DNA position 5361, C replaced by T.
Protein change: p.Phe1787=; no amino-acid change (phenylalanine 1787 retained).
Molecular consequence: synonymous variant. On other transcripts: intron variant (2).
Genome position (GRCh38, 1-based): chr6:7,581,551, C>T. VCF-style: chr6-7581551-C-T. GRCh37 (hg19) VCF-style: chr6-7581784-C-T.
Other names: c.4051-1091C>T (NM_001319034.2); c.3583-1091C>T (NM_001008844.3).
Identifiers: ClinVar variation 2587396 (VCV002587396.3), dbSNP rs1184201721, ClinGen allele CA448715181.

ClinVar aggregate classification (germline): Likely benign. Review status: criteria provided, multiple submitters, no conflicts (2 of 4 stars). 2 submissions from 2 submitters: Likely benign (2). Last evaluated 2023-08-23.

Conditions:
Cardiovascular phenotype. Identifiers: MedGen CN230736.
Arrhythmogenic cardiomyopathy with wooly hair and keratoderma. Also called: Carvajal syndrome; Arrhythmogenic cardiomyopathy with woolly hair and keratoderma; PALMOPLANTAR KERATODERMA WITH LEFT VENTRICULAR CARDIOMYOPATHY AND WOOLLY HAIR; Dilated cardiomyopathy with woolly hair and keratoderma. Identifiers: Orphanet 65282, MedGen C1854063, MONDO:0011581, OMIM 605676.

Allele frequency attached by ClinVar (database versions not stated): TOPMed below 0.00001; gnomAD 0.00001; gnomAD exomes below 0.00001.
gnomAD v4.1: 2 of 1,613,552 alleles (0.00012%); highest among the groups gnomAD compares: African/African-American, 0.0013%; no homozygotes.

Submissions (2):

Ambry Genetics
Classification: Likely benign for Cardiovascular phenotype. Last evaluated: 2023-08-23. Review status: criteria provided, single submitter. Criteria: Ambry Variant Classification Scheme 2023. Collection method: clinical testing. Allele origin: germline.

All of Us Research Program, National Institutes of Health
Classification: Likely benign for Arrhythmogenic cardiomyopathy with wooly hair and keratoderma. Last evaluated: 2023-07-10. Review status: criteria provided, single submitter. Criteria: ACMG Guidelines, 2015. Collection method: clinical testing. Allele origin: germline. Inheritance: Autosomal dominant inheritance. Observed: 1 variant allele, 1 heterozygote.
Comment: This study involves interpretation of variants in research participants for the purpose of population health screening. Participant phenotype was not available at the time of variant classification. Additional details can be found in publication PMID: 35346344, PMCID: PMC8962531